The following is an entry in ClinVar:

ClinVar aggregate classification (germline): Pathogenic/Likely pathogenic. Review status: criteria provided, multiple submitters, no conflicts (2 of 4 stars). 3 submissions from 3 submitters: Pathogenic (2); Likely pathogenic (1). Last evaluated 2025-10-05.

Conditions:
COMP-related disorder. Also called: COMP-related disorders; COMP-related condition.

Submissions (3):

Labcorp Genetics (formerly Invitae), Labcorp
Classification: Pathogenic. Last evaluated: 2025-10-05. Review status: criteria provided, single submitter. Criteria: Invitae Variant Classification Sherloc (09022015). Collection method: clinical testing. Allele origin: germline.
Comment: This variant, c.1021_1026del, results in the deletion of 2 amino acid(s) of the COMP protein (p.Glu341_Asp342del), but otherwise preserves the integrity of the reading frame. This variant is not present in population databases (gnomAD no frequency). This variant has been observed in individual(s) with COMP-related conditions (PMID: 15756302, 21922596, 21965141). In at least one individual the variant was observed to be de novo. ClinVar contains an entry for this variant (Variation ID: 420112). This variant disrupts a region of the COMP protein in which other variant(s) (p.Asp342Tyr) have been determined to be pathogenic (PMID: 7670472). This suggests that this is a clinically significant region of the protein, and that variants that disrupt it are likely to be disease-causing. For these reasons, this variant has been classified as Pathogenic.

GeneDx
Classification: Likely pathogenic. Last evaluated: 2025-06-10. Review status: criteria provided, single submitter. Criteria: GeneDx Variant Classification Process June 2021. Collection method: clinical testing. Allele origin: germline. Affected: yes.
Comment: Published previously in association with COMP-related disorders, including an assumed de novo occurrence (PMID: 21922596, 15756302, 21965141); In-frame deletion of 2 amino acid(s) in a non-repeat region; Not observed at significant frequency in large population cohorts (gnomAD); In silico analysis supports a deleterious effect on protein structure/function; This variant is associated with the following publications: (PMID: 21922596, 24595329, 21965141, 15756302, 37325279)

Blueprint Genetics
Classification: Pathogenic for COMP-related disorders. Last evaluated: 2019-06-04. Review status: criteria provided, single submitter. Criteria: ACMG Guidelines, 2015. Collection method: clinical testing. Allele origin: germline. Affected: yes. Observed: 1 variant allele.

Literature cited by the submitters: PubMed 15756302 (cited by Labcorp Genetics (formerly Invitae), Labcorp); PubMed 21922596 (cited by Labcorp Genetics (formerly Invitae), Labcorp); PubMed 21965141 (cited by Labcorp Genetics (formerly Invitae), Labcorp); PubMed 7670472 (cited by Labcorp Genetics (formerly Invitae), Labcorp).

NM_000095.3(COMP):c.1021_1026del (p.Glu341_Asp342del)

Gene: COMP (cartilage oligomeric matrix protein; minus strand). Cytogenetic location: 19p13.11.
Variant type: Deletion.
Coding change: c.1021_1026del on transcript NM_000095.3 (MANE Select); coding-DNA positions 1021 to 1026, 6 bases deleted (GAGGAC; older notation c.1021_1026delGAGGAC).
Protein change: p.Glu341_Asp342del.
Molecular consequence: inframe deletion.
Genome position (GRCh38, 1-based): chr19:18,787,600-18,787,605, GTCCTC deleted on the plus strand (GAGGAC on the coding strand, the reverse complement: COMP is on the minus strand); deleting any 6 consecutive bases within chr19:18,787,600-18,787,609 gives the same sequence; the c. name uses the placement nearest the transcript's 3' end. VCF-style (leftmost placement, unchanged base first): chr19-18787599-TGTCCTC-T. GRCh37 (hg19) VCF-style: chr19-18898408-TGTCCTC-T.
Other names: c.1021_1026delGAGGAC (NM_000095.2); c.1021_1026del (NM_000095.2).
Identifiers: ClinVar variation 420112 (VCV000420112.9), dbSNP rs1064794294, ClinGen allele CA16620814.